The following is an entry in ClinVar:

ClinVar aggregate classification (germline): Pathogenic. Review status: reviewed by expert panel (3 of 4 stars). 8 submissions from 8 submitters: Pathogenic (1). 7 of the submissions do not count toward it. Last evaluated 2016-04-22.

Conditions:
Gastric cancer. Also called: Stomach cancer; Malignant tumor of stomach. Identifiers: MedGen C0024623, MeSH D013274, MONDO:0001056, OMIM 613659, HP:0012126.
Hereditary cancer-predisposing syndrome. Also called: Tumor predisposition; Neoplastic Syndromes, Hereditary; Hereditary Cancer Syndrome; Hereditary neoplastic syndrome. Identifiers: Orphanet 140162, MedGen C0027672, MeSH D009386, MONDO:0015356.
Hereditary breast ovarian cancer syndrome. Also called: Hereditary breast and ovarian cancer syndrome (HBOC); Hereditary breast and ovarian cancer syndrome; Hereditary breast and ovarian cancer; Hereditary breast and/or ovarian cancer syndrome; Breast and ovarian cancer; BRCA1- and BRCA2-Associated Hereditary Breast and Ovarian Cancer. Identifiers: Orphanet 145, MedGen C0677776, MeSH D061325, MONDO:0003582. Disease mechanism: loss of function.
Breast-ovarian cancer, familial, susceptibility to, 1 (BROVCA1). Also called: OVARIAN CANCER, SUSCEPTIBILITY TO; BRCA1 Hereditary Breast and Ovarian Cancer. Identifiers: Orphanet 145, MedGen C2676676, MONDO:0011450, OMIM 604370. Disease mechanism: loss of function.

Submissions (8):

Evidence-based Network for the Interpretation of Germline Mutant Alleles (ENIGMA)
Classification: Pathogenic for Breast-ovarian cancer, familial, susceptibility to, 1. Last evaluated: 2016-04-22. Review status: reviewed by expert panel. Criteria: ENIGMA BRCA1/2 Classification Criteria (2015). Collection method: curation. Allele origin: germline.
Comment: Variant allele predicted to encode a truncated non-functional protein.

Ambry Genetics
Classification: Pathogenic for Hereditary cancer-predisposing syndrome. Last evaluated: 2024-05-17. Review status: criteria provided, single submitter. Criteria: Ambry Variant Classification Scheme 2023. Collection method: clinical testing. Allele origin: germline. Not counted in ClinVar's aggregate classification.
Comment: The c.3397_3398delTT pathogenic mutation, located in coding exon 9 of the BRCA1 gene, results from a deletion of two nucleotides at nucleotide positions 3397 to 3398, causing a translational frameshift with a predicted alternate stop codon (p.L1133Rfs*7). This variant is considered to be rare based on population cohorts in the Genome Aggregation Database (gnomAD). This alteration is expected to result in loss of function by premature protein truncation or nonsense-mediated mRNA decay. As such, this alteration is interpreted as a disease-causing mutation.

Labcorp Genetics (formerly Invitae), Labcorp
Classification: Pathogenic for Hereditary breast ovarian cancer syndrome. Last evaluated: 2023-10-30. Review status: criteria provided, single submitter. Criteria: Invitae Variant Classification Sherloc (09022015). Collection method: clinical testing. Allele origin: germline. Not counted in ClinVar's aggregate classification.
Comment: This sequence change creates a premature translational stop signal (p.Leu1133Argfs*7) in the BRCA1 gene. It is expected to result in an absent or disrupted protein product. Loss-of-function variants in BRCA1 are known to be pathogenic (PMID: 20104584). This variant is not present in population databases (gnomAD no frequency). This premature translational stop signal has been observed in individual(s) with personal or family history of breast and/or ovarian cancer (PMID: 11695708, 31825140). This variant is also known as 3516-3517delTT. ClinVar contains an entry for this variant (Variation ID: 54865). Algorithms developed to predict the effect of sequence changes on RNA splicing suggest that this variant may create or strengthen a splice site. For these reasons, this variant has been classified as Pathogenic.

Women's Health and Genetics/Laboratory Corporation of America, LabCorp
Classification: Pathogenic for Hereditary breast ovarian cancer syndrome. Last evaluated: 2023-03-27. Review status: criteria provided, single submitter. Criteria: LabCorp Variant Classification Summary - May 2015. Collection method: clinical testing. Allele origin: germline. Not counted in ClinVar's aggregate classification.
Comment: Variant summary: BRCA1 c.3397_3398delTT (p.Leu1133ArgfsX7) results in a premature termination codon, predicted to cause a truncation of the encoded protein or absence of the protein due to nonsense mediated decay, which are commonly known mechanisms for disease. Truncations downstream of this position have been classified as pathogenic by our laboratory. The variant was absent in 250824 control chromosomes (gnomAD). c.3397_3398delTT has been reported in the literature in individuals with a personal and/or family history of breast and/or ovarian cancers (e.g. Sekine_2001, Rebbeck_2018, Yoshihara_2011). These data indicate that the variant is likely to be associated with disease. To our knowledge, no experimental evidence demonstrating an impact on protein function has been reported. Three submitters, including an expert panel (ENIGMA) have provided clinical-significance assessments for this variant to ClinVar after 2014 and all classified the variant as pathogenic. Based on the evidence outlined above, the variant was classified as pathogenic.

Consortium of Investigators of Modifiers of BRCA1/2 (CIMBA), c/o University of Cambridge
Classification: Pathogenic for Breast-ovarian cancer, familial, susceptibility to, 1. Last evaluated: 2015-10-02. Review status: criteria provided, single submitter. Criteria: CIMBA Mutation Classification guidelines May 2016. Collection method: clinical testing. Allele origin: germline. Not counted in ClinVar's aggregate classification.

Quest Diagnostics Nichols Institute San Juan Capistrano
Classification: Pathogenic for Breast-ovarian cancer, familial, susceptibility to, 1. Last evaluated: 2015-07-10. Review status: criteria provided, single submitter. Criteria: Quest Diagnostics criteria. Collection method: clinical testing. Allele origin: germline. Inheritance: Autosomal dominant inheritance. Not counted in ClinVar's aggregate classification.

Laboratory for Genotyping Development, RIKEN
Classification: Pathogenic for Gastric cancer. Last evaluated: 2021-07-01. Review status: no assertion criteria provided. Collection method: research. Allele origin: germline. Not counted in ClinVar's aggregate classification.

Breast Cancer Information Core (BIC) (BRCA1)
Classification: Pathogenic for Breast-ovarian cancer, familial 1. Last evaluated: 2002-05-29. Review status: no assertion criteria provided. Collection method: clinical testing. Allele origin: germline. Affected: yes. Observed: 1 variant allele. Not counted in ClinVar's aggregate classification.

Literature cited by the submitters: PubMed 20104584 (cited by Labcorp Genetics (formerly Invitae), Labcorp); PubMed 11695708 (cited by Labcorp Genetics (formerly Invitae), Labcorp); PubMed 31825140 (cited by Labcorp Genetics (formerly Invitae), Labcorp); PubMed 11595708 (cited by Women's Health and Genetics/Laboratory Corporation of America, LabCorp and Quest Diagnostics Nichols Institute San Juan Capistrano); PubMed 29446198 (cited by Women's Health and Genetics/Laboratory Corporation of America, LabCorp); PubMed 21213370 (cited by Women's Health and Genetics/Laboratory Corporation of America, LabCorp); PubMed 26295337 (cited by Quest Diagnostics Nichols Institute San Juan Capistrano); PubMed 36988593 (cited by Laboratory for Genotyping Development, RIKEN).

NM_007294.4(BRCA1):c.3397_3398del (p.Leu1133fs)

Genes: BRCA1 (BRCA1 DNA repair associated; minus strand), LOC126862571 (BRD4-independent group 4 enhancer GRCh37_chr17:41243136-41244335; plus strand). Cytogenetic location: 17q21.31.
Variant type: Deletion.
Coding change: c.3397_3398del on transcript NM_007294.4 (MANE Select); coding-DNA positions 3397 to 3398, 2 bases deleted (TT; older notation c.3397_3398delTT).
Protein change: p.Leu1133fs; shifts the reading frame from leucine 1133.
Molecular consequence: frameshift variant. On other transcripts: intron variant (135).
Genome position (GRCh38, 1-based): chr17:43,092,133-43,092,134, AA deleted on the plus strand (TT on the coding strand, the reverse complement: BRCA1 is on the minus strand). VCF-style (leftmost placement, unchanged base first): chr17-43092132-TAA-T. GRCh37 (hg19) VCF-style: chr17-41244149-TAA-T.
Other names: 3516delTT; 3516_3517delTT; c.3274_3275del, p.Leu1092fs (NM_001407680.1, NM_001407681.1, NM_001407682.1 and 19 more transcripts); c.3397_3398del, p.Leu1133fs (NM_001407684.1, NM_001407854.1, NM_001407858.1 and 30 more transcripts); c.3271_3272del, p.Leu1091fs (NM_001407685.1, NM_001407686.1, NM_001407687.1 and 11 more transcripts); c.3256_3257del, p.Leu1086fs (NM_001407692.1, NM_001407694.1, NM_001407695.1 and 29 more transcripts); c.3253_3254del, p.Leu1085fs (NM_001407740.1, NM_001407741.1, NM_001407742.1 and 20 more transcripts); c.3184_3185del, p.Leu1062fs (NM_001407853.1, NM_001407894.1, NM_001407895.1 and 9 more transcripts); and 43 more; short protein forms L1086fs, L1133fs, L1022fs, L1066fs, L1107fs, L1006fs, L1044fs, L1045fs.
Identifiers: ClinVar variation 54865 (VCV000054865.28), dbSNP rs80357577, ClinGen allele CA002195.